The following is an entry in ClinVar:

NM_000038.6(APC):c.4585C>G (p.Gln1529Glu)

Gene: APC (APC regulator of Wnt signaling pathway; plus strand). Cytogenetic location: 5q22.2.
Variant type: single nucleotide variant.
Coding change: c.4585C>G on transcript NM_000038.6 (MANE Select); coding-DNA position 4585, C replaced by G.
Protein change: p.Gln1529Glu; replaces glutamine 1529 with glutamic acid.
Molecular consequence: missense variant.
Genome position (GRCh38, 1-based): chr5:112,840,179, C>G. VCF-style: chr5-112840179-C-G. GRCh37 (hg19) VCF-style: chr5-112175876-C-G.
Other names: c.4585C>G, p.Gln1529Glu (NM_001127510.3, NM_001354895.2, NM_001407450.1); c.4531C>G, p.Gln1511Glu (NM_001127511.3); c.4639C>G, p.Gln1547Glu (NM_001354896.2, NM_001407447.1, NM_001407448.1 and 1 more transcripts); c.4615C>G, p.Gln1539Glu (NM_001354897.2); c.4510C>G, p.Gln1504Glu (NM_001354898.2); c.4501C>G, p.Gln1501Glu (NM_001354899.2); c.4462C>G, p.Gln1488Glu (NM_001354900.2); c.4408C>G, p.Gln1470Glu (NM_001354901.2, NM_001407453.1); and 11 more; short protein forms Q1145E, Q1246E, Q1369E, Q1403E, Q1428E, Q1470E, Q1519E, Q1529E.
Identifiers: ClinVar variation 1741667 (VCV001741667.7), dbSNP rs1554085992, ClinGen allele CA16031370.

ClinVar aggregate classification (germline): Uncertain significance. Review status: criteria provided, multiple submitters, no conflicts (2 of 4 stars). 3 submissions from 3 submitters: Uncertain significance (3). Last evaluated 2025-02-20.

Conditions:
Hereditary cancer-predisposing syndrome. Also called: Hereditary Cancer Syndrome; Hereditary neoplastic syndrome; Neoplastic Syndromes, Hereditary; Tumor predisposition. Identifiers: Orphanet 140162, MedGen C0027672, MeSH D009386, MONDO:0015356.
Familial adenomatous polyposis 1 (FAP1). Also called: FAMILIAL ADENOMATOUS POLYPOSIS 1, ATTENUATED; POLYPOSIS, ADENOMATOUS INTESTINAL. Identifiers: MedGen C2713442, MONDO:0021056, OMIM 175100. Disease mechanism: loss of function.

Allele frequency attached by ClinVar (database versions not stated): gnomAD exomes below 0.00001.
gnomAD v4.1: 1 of 1,614,008 alleles (0.000062%); highest among the groups gnomAD compares: East Asian, 0.0022%; no homozygotes.

Submissions (3):

Ambry Genetics
Classification: Uncertain significance for Hereditary cancer-predisposing syndrome. Last evaluated: 2025-02-20. Review status: criteria provided, single submitter. Criteria: Ambry Variant Classification Scheme 2023. Collection method: clinical testing. Allele origin: germline.
Comment: The p.Q1529E variant (also known as c.4585C>G), located in coding exon 15 of the APC gene, results from a C to G substitution at nucleotide position 4585. The glutamine at codon 1529 is replaced by glutamic acid, an amino acid with highly similar properties. This amino acid position is not well conserved in available vertebrate species. In addition, in silico predictors for this gene do not accurately predict pathogenicity. Missense alterations in APC are not a common cause of disease (Spier I et al. Genet Med. 2024 Feb;26(2):100992). Based on the available evidence, the clinical significance of this variant remains unclear.

Labcorp Genetics (formerly Invitae), Labcorp
Classification: Uncertain significance for Familial adenomatous polyposis 1. Last evaluated: 2023-12-12. Review status: criteria provided, single submitter. Criteria: Invitae Variant Classification Sherloc (09022015). Collection method: clinical testing. Allele origin: germline.
Comment: This sequence change replaces glutamine, which is neutral and polar, with glutamic acid, which is acidic and polar, at codon 1529 of the APC protein (p.Gln1529Glu). This variant is not present in population databases (gnomAD no frequency). This variant has not been reported in the literature in individuals affected with APC-related conditions. ClinVar contains an entry for this variant (Variation ID: 1741667). Advanced modeling of protein sequence and biophysical properties (such as structural, functional, and spatial information, amino acid conservation, physicochemical variation, residue mobility, and thermodynamic stability) performed at Invitae indicates that this missense variant is not expected to disrupt APC protein function with a negative predictive value of 95%. In summary, the available evidence is currently insufficient to determine the role of this variant in disease. Therefore, it has been classified as a Variant of Uncertain Significance.

Baylor Genetics
Classification: Uncertain significance for Familial adenomatous polyposis 1. Last evaluated: 2023-08-17. Review status: criteria provided, single submitter. Criteria: ACMG Guidelines, 2015. Collection method: clinical testing. Allele origin: unknown.